The following is an entry in ClinVar:

NM_001212.4(C1QBP):c.77C>T (p.Ser26Leu)

Genes: C1QBP (complement C1q binding protein; minus strand), LOC130060075 (ATAC-STARR-seq lymphoblastoid silent region 8070; plus strand). Cytogenetic location: 17p13.2.
Variant type: single nucleotide variant.
Coding change: c.77C>T on transcript NM_001212.4 (MANE Select); coding-DNA position 77, C replaced by T.
Protein change: p.Ser26Leu; replaces serine 26 with leucine.
Molecular consequence: missense variant.
Genome position (GRCh38, 1-based): chr17:5,438,997, G>A on the plus strand (C>T on the coding strand, the complement: C1QBP is on the minus strand). VCF-style: chr17-5438997-G-A. GRCh37 (hg19) VCF-style: chr17-5342317-G-A.
Other names: short protein forms S26L.
Identifiers: ClinVar variation 2532044 (VCV002532044.3), dbSNP rs1404483909, ClinGen allele CA397374289.

ClinVar aggregate classification (germline): Uncertain significance. Review status: criteria provided, multiple submitters, no conflicts (2 of 4 stars). 2 submissions from 2 submitters: Uncertain significance (2). Last evaluated 2023-11-19.

Conditions:
Inborn genetic diseases. Identifiers: MedGen C0950123, MeSH D030342.

gnomAD v4.1: 2 of 1,480,818 alleles (0.00014%); highest among the groups gnomAD compares: Non-Finnish European, 0.000089%; no homozygotes.

Submissions (2):

Labcorp Genetics (formerly Invitae), Labcorp
Classification: Uncertain significance. Last evaluated: 2023-11-19. Review status: criteria provided, single submitter. Criteria: Invitae Variant Classification Sherloc (09022015). Collection method: clinical testing. Allele origin: germline.
Comment: This sequence change replaces serine, which is neutral and polar, with leucine, which is neutral and non-polar, at codon 26 of the C1QBP protein (p.Ser26Leu). The frequency data for this variant in the population databases is considered unreliable, as metrics indicate poor data quality at this position in the gnomAD database. This variant has not been reported in the literature in individuals affected with C1QBP-related conditions. ClinVar contains an entry for this variant (Variation ID: 2532044). Algorithms developed to predict the effect of missense changes on protein structure and function output the following: SIFT: "Not Available"; PolyPhen-2: "Benign"; Align-GVGD: "Not Available". The leucine amino acid residue is found in multiple mammalian species, which suggests that this missense change does not adversely affect protein function. In summary, the available evidence is currently insufficient to determine the role of this variant in disease. Therefore, it has been classified as a Variant of Uncertain Significance.

Ambry Genetics
Classification: Uncertain significance for Inborn genetic diseases. Last evaluated: 2023-03-31. Review status: criteria provided, single submitter. Criteria: Ambry Variant Classification Scheme 2023. Collection method: clinical testing. Allele origin: germline.